The following is an entry in ClinVar:

ClinVar aggregate classification (germline): Likely benign (0 of 4 stars; one submission).

Conditions:
HBA1-related disorder. Also called: HBA1-related condition.

Submission:

PreventionGenetics, part of Exact Sciences
Classification: Likely benign for HBA1-related condition. Last evaluated: 2021-06-25. Review status: no assertion criteria provided. Collection method: clinical testing. Allele origin: germline.
Comment: This variant is classified as likely benign based on ACMG/AMP sequence variant interpretation guidelines (Richards et al. 2015 PMID: 25741868, with internal and published modifications).

NM_000558.5(HBA1):c.319C>T (p.Leu107=)

Genes: HBA1 (hemoglobin subunit alpha 1; plus strand), LOC106804613 (hemoglobin subunit alpha 1 recombination region; plus strand). Cytogenetic location: 16p13.3.
Variant type: single nucleotide variant.
Coding change: c.319C>T on transcript NM_000558.5 (MANE Select); coding-DNA position 319, C replaced by T.
Protein change: p.Leu107=; no amino-acid change (leucine 107 retained).
Molecular consequence: synonymous variant.
Genome position (GRCh38, 1-based): chr16:177,301, C>T. VCF-style: chr16-177301-C-T. GRCh37 (hg19) VCF-style: chr16-227300-C-T.
Identifiers: ClinVar variation 3029547 (VCV003029547.2), dbSNP rs1232748419, ClinGen allele CA492994383.